The following is an entry in ClinVar:

ClinVar aggregate classification (germline): Uncertain significance. Review status: criteria provided, multiple submitters, no conflicts (2 of 4 stars). 2 submissions from 2 submitters: Uncertain significance (2). Last evaluated 2023-08-16.

Conditions:
Hereditary cancer-predisposing syndrome. Also called: Neoplastic Syndromes, Hereditary; Hereditary Cancer Syndrome; Hereditary neoplastic syndrome; Tumor predisposition. Identifiers: Orphanet 140162, MedGen C0027672, MeSH D009386, MONDO:0015356.
Gorlin syndrome. Also called: Basal cell nevus syndrome; Nevoid Basal Cell Carcinoma Syndrome. Identifiers: Orphanet 377, MedGen C0004779, MONDO:0007187.

Submissions (2):

Ambry Genetics
Classification: Uncertain significance for Hereditary cancer-predisposing syndrome. Last evaluated: 2023-08-16. Review status: criteria provided, single submitter. Criteria: Ambry Variant Classification Scheme 2023. Collection method: clinical testing. Allele origin: germline.
Comment: The p.G1296R variant (also known as c.3886G>C), located in coding exon 23 of the PTCH1 gene, results from a G to C substitution at nucleotide position 3886. The glycine at codon 1296 is replaced by arginine, an amino acid with dissimilar properties. This amino acid position is well conserved in available vertebrate species. In addition, the in silico prediction for this alteration is inconclusive. Since supporting evidence is limited at this time, the clinical significance of this alteration remains unclear.

Labcorp Genetics (formerly Invitae), Labcorp
Classification: Uncertain significance for Gorlin syndrome. Last evaluated: 2023-04-08. Review status: criteria provided, single submitter. Criteria: Invitae Variant Classification Sherloc (09022015). Collection method: clinical testing. Allele origin: germline.
Comment: This variant has not been reported in the literature in individuals affected with PTCH1-related conditions. In summary, the available evidence is currently insufficient to determine the role of this variant in disease. Therefore, it has been classified as a Variant of Uncertain Significance. Advanced modeling of protein sequence and biophysical properties (such as structural, functional, and spatial information, amino acid conservation, physicochemical variation, residue mobility, and thermodynamic stability) performed at Invitae indicates that this missense variant is not expected to disrupt PTCH1 protein function. ClinVar contains an entry for this variant (Variation ID: 642542). This variant is not present in population databases (gnomAD no frequency). This sequence change replaces glycine, which is neutral and non-polar, with arginine, which is basic and polar, at codon 1296 of the PTCH1 protein (p.Gly1296Arg).

NM_000264.5(PTCH1):c.3886G>C (p.Gly1296Arg)

Gene: PTCH1 (patched 1; minus strand). Cytogenetic location: 9q22.32.
Variant type: single nucleotide variant.
Coding change: c.3886G>C on transcript NM_000264.5 (MANE Select); coding-DNA position 3886, G replaced by C.
Protein change: p.Gly1296Arg; replaces glycine 1296 with arginine.
Molecular consequence: missense variant. On other transcripts: non-coding transcript variant (1).
Genome position (GRCh38, 1-based): chr9:95,447,370, C>G on the plus strand (G>C on the coding strand, the complement: PTCH1 is on the minus strand). VCF-style: chr9-95447370-C-G. GRCh37 (hg19) VCF-style: chr9-98209652-C-G.
Other names: c.3688G>C, p.Gly1230Arg (NM_001083602.3); c.3883G>C, p.Gly1295Arg (NM_001083603.3); c.3433G>C, p.Gly1145Arg (NM_001083604.3, NM_001083605.3, NM_001083606.3 and 1 more transcripts); c.3730G>C, p.Gly1244Arg (NM_001354918.2); short protein forms G1230R, G1295R, G1145R, G1244R, G1296R.
Identifiers: ClinVar variation 642542 (VCV000642542.11), dbSNP rs372828014, ClinGen allele CA374110723.